The following is an entry in ClinVar:

NM_001267550.2(TTN):c.41253C>T (p.Ser13751=)

Gene: TTN (titin; minus strand). Cytogenetic location: 2q31.2.
Variant type: single nucleotide variant.
Coding change: c.41253C>T on transcript NM_001267550.2 (MANE Select); coding-DNA position 41253, C replaced by T.
Protein change: p.Ser13751=; no amino-acid change (serine 13751 retained).
Molecular consequence: synonymous variant.
Genome position (GRCh38, 1-based): chr2:178,636,474, G>A on the plus strand (C>T on the coding strand, the complement: TTN is on the minus strand). VCF-style: chr2-178636474-G-A. GRCh37 (hg19) VCF-style: chr2-179501201-G-A.
Other names: c.33549C>T, p.Ser11183= (NM_133378.4); c.36330C>T, p.Ser12110= (NM_001256850.1); c.14058C>T, p.Ser4686= (NM_003319.4); c.14433C>T, p.Ser4811= (NM_133432.3); c.14634C>T, p.Ser4878= (NM_133437.4).
Identifiers: ClinVar variation 228089 (VCV000228089.34), dbSNP rs772643931, ClinGen allele CA10576534.

ClinVar aggregate classification (germline): Likely benign. Review status: criteria provided, multiple submitters, no conflicts (2 of 4 stars). 4 submissions from 4 submitters: Likely benign (4). Last evaluated 2026-04-01.

Conditions:
Cardiovascular phenotype. Identifiers: MedGen CN230736.
Autosomal recessive limb-girdle muscular dystrophy type 2J (LGMDR10). Also called: Limb-girdle muscular dystrophy, type 2J; MUSCULAR DYSTROPHY, LIMB-GIRDLE, AUTOSOMAL RECESSIVE 10. Identifiers: Orphanet 140922, MedGen C1837342, MONDO:0012127, OMIM 608807.
Dilated cardiomyopathy 1G (CMD1G). Identifiers: Orphanet 154, MedGen C1858763, MONDO:0011400, OMIM 604145.

Allele frequency attached by ClinVar (database versions not stated): gnomAD exomes 0.00001.
gnomAD v4.1: 15 of 1,613,054 alleles (0.00093%); highest among the groups gnomAD compares: East Asian, 0.011%; no homozygotes.

Submissions (4):

CeGaT Center for Human Genetics Tuebingen
Classification: Likely benign. Last evaluated: 2026-04-01. Review status: criteria provided, single submitter. Criteria: CeGaT Center For Human Genetics Tuebingen Variant Classification Criteria Version 2. Collection method: clinical testing. Allele origin: germline. Affected: yes. Observed: 2 variant alleles.
Comment: TTN: BP4, BP7

Labcorp Genetics (formerly Invitae), Labcorp
Classification: Likely benign for Dilated cardiomyopathy 1G; Autosomal recessive limb-girdle muscular dystrophy type 2J. Last evaluated: 2026-01-10. Review status: criteria provided, single submitter. Criteria: Invitae Variant Classification Sherloc (09022015). Collection method: clinical testing. Allele origin: germline.

Ambry Genetics
Classification: Likely benign for Cardiovascular phenotype. Last evaluated: 2021-10-25. Review status: criteria provided, single submitter. Criteria: Ambry Variant Classification Scheme 2023. Collection method: clinical testing. Allele origin: germline.

Laboratory for Molecular Medicine, Mass General Brigham Personalized Medicine
Classification: Likely benign. Last evaluated: 2015-09-08. Review status: criteria provided, single submitter. Criteria: LMM Criteria. Collection method: clinical testing. Allele origin: germline. Observed: 1 variant allele.
Comment: p.Ser11183Ser in exon 174 of TTN: This variant is not expected to have clinical significance because it does not alter an amino acid residue and is not located within the splice consensus sequence.